The following is an entry in ClinVar:

ClinVar aggregate classification (germline): Uncertain significance (1 of 4 stars; one submission).

Conditions:
Cardiovascular phenotype. Identifiers: MedGen CN230736.

Submission:

Ambry Genetics
Classification: Uncertain significance for Cardiovascular phenotype. Last evaluated: 2023-05-18. Review status: criteria provided, single submitter. Criteria: Ambry Variant Classification Scheme 2023. Collection method: clinical testing. Allele origin: germline.
Comment: The p.R382H variant (also known as c.1145G>A), located in coding exon 2 of the TNXB gene, results from a G to A substitution at nucleotide position 1145. The arginine at codon 382 is replaced by histidine, an amino acid with highly similar properties. This amino acid position is conserved. In addition, this alteration is predicted to be tolerated by in silico analysis. Since supporting evidence is limited at this time, the clinical significance of this alteration remains unclear.

NM_001365276.2(TNXB):c.1145G>A (p.Arg382His)

Gene: TNXB (tenascin XB; minus strand). Cytogenetic location: 6p21.33.
Variant type: single nucleotide variant.
Coding change: c.1145G>A on transcript NM_001365276.2 (MANE Select); coding-DNA position 1145, G replaced by A.
Protein change: p.Arg382His; replaces arginine 382 with histidine.
Molecular consequence: missense variant.
Genome position (GRCh38, 1-based): chr6:32,096,708, C>T on the plus strand (G>A on the coding strand, the complement: TNXB is on the minus strand). VCF-style: chr6-32096708-C-T. GRCh37 (hg19) VCF-style: chr6-32064485-C-T.
Other names: c.1145G>A, p.Arg382His (NM_019105.8); short protein forms R382H.
Identifiers: ClinVar variation 2565747 (VCV002565747.2), dbSNP rs2483760983, ClinGen allele CA363483451.